The following is an entry in ClinVar:

NM_002887.4(RARS1):c.1414C>T (p.Arg472Ter)

Gene: RARS1 (arginyl-tRNA synthetase 1; plus strand). Cytogenetic location: 5q34.
Variant type: single nucleotide variant.
Coding change: c.1414C>T on transcript NM_002887.4 (MANE Select); coding-DNA position 1414, C replaced by T.
Protein change: p.Arg472Ter; replaces arginine 472 with a stop codon.
Molecular consequence: nonsense.
Genome position (GRCh38, 1-based): chr5:168,510,648, C>T. VCF-style: chr5-168510648-C-T. GRCh37 (hg19) VCF-style: chr5-167937653-C-T.
Other names: short protein forms R472*.
Identifiers: ClinVar variation 620338 (VCV000620338.12), dbSNP rs180760483, ClinGen allele CA3549917.

ClinVar aggregate classification (germline): Conflicting classifications of pathogenicity. Review status: criteria provided, conflicting classifications (1 of 4 stars). 3 submissions from 3 submitters: Pathogenic (1); Likely pathogenic (1); Uncertain significance (1). Last evaluated 2023-04-14.

Allele frequency attached by ClinVar (database versions not stated): gnomAD 0.00001; 1000 Genomes Project 30x 0.00016; 1000 Genomes Project 0.00020; gnomAD exomes 0.00001 and 0.00002; ExAC 0.00003; TOPMed 0.00003.
gnomAD v4.1: 21 of 1,611,044 alleles (0.0013%); highest among the groups gnomAD compares: Admixed American, 0.01%; no homozygotes.

Submissions (3):

Labcorp Genetics (formerly Invitae), Labcorp
Classification: Pathogenic. Last evaluated: 2023-04-14. Review status: criteria provided, single submitter. Criteria: Invitae Variant Classification Sherloc (09022015). Collection method: clinical testing. Allele origin: germline.
Comment: For these reasons, this variant has been classified as Pathogenic. ClinVar contains an entry for this variant (Variation ID: 620338). This variant has not been reported in the literature in individuals affected with RARS-related conditions. This variant is present in population databases (rs180760483, gnomAD 0.006%). This sequence change creates a premature translational stop signal (p.Arg472*) in the RARS gene. It is expected to result in an absent or disrupted protein product. Loss-of-function variants in RARS are known to be pathogenic (PMID: 24777941).

GeneDx
Classification: Likely pathogenic. Last evaluated: 2022-09-23. Review status: criteria provided, single submitter. Criteria: GeneDx Variant Classification Process June 2021. Collection method: clinical testing. Allele origin: germline. Affected: yes.
Comment: Nonsense variant predicted to result in protein truncation or nonsense mediated decay in a gene for which loss of function is a known mechanism of disease; Not observed at significant frequency in large population cohorts (gnomAD); Has not been previously published as pathogenic or benign to our knowledge

Laboratory for Molecular Medicine, Mass General Brigham Personalized Medicine
Classification: Uncertain significance. Last evaluated: 2020-06-11. Review status: criteria provided, single submitter. Criteria: LMM Criteria. Collection method: clinical testing. Allele origin: germline. Observed: 1 variant allele.
Comment: Variant classified as Uncertain Significance - Favor Pathogenic. The p.Arg472X variant in RARS has not been previously reported in individuals with hypomyelinating leukodystrophy, but has been identified in 0.006% (2/33506) of Latino chromosomes by gnomAD. This variant has also been reported in ClinVar (Variation ID 620338). This nonsense variant leads to a premature termination codon at position 472, which is predicted to lead to a truncated or absent protein. Although RARS loss of function variants have been reported in individuals with hypomyelinating leukodystrophy, the disease mechanism has not been definitively established. In summary, although there is supsicion for a pathogenic role, the clinical significance of the p.Arg472X variant is uncertain. ACMG/AMP Criteria applied: PVS1_Moderate, PM2.

Literature cited by the submitters: PubMed 24777941 (cited by Labcorp Genetics (formerly Invitae), Labcorp).